The following is an entry in ClinVar:

ClinVar aggregate classification (germline): Likely benign. Review status: criteria provided, multiple submitters, no conflicts (2 of 4 stars). 3 submissions from 3 submitters: Likely benign (2). 1 of the submissions does not count toward it. Last evaluated 2018-01-13.

Conditions:
COL9A2-related disorder. Also called: COL9A2-related condition.
Epiphyseal dysplasia, multiple, 2 (EDM2). Also called: COL9A2-Related Multiple Epiphyseal Dysplasia. Identifiers: MedGen C1838429, MONDO:0010844, OMIM 600204.

Allele frequency attached by ClinVar (database versions not stated): gnomAD 0.00062; gnomAD exomes 0.00079 and 0.00118; TOPMed 0.00080; ExAC 0.00089; ESP Exome Variant Server 0.00105.
gnomAD v4.1: 1,668 of 1,502,630 alleles (0.11%); highest among the groups gnomAD compares: Non-Finnish European, 0.14%; 5 homozygotes.

Submissions (3):

Illumina Laboratory Services, Illumina
Classification: Likely benign for Epiphyseal dysplasia, multiple, 2. Last evaluated: 2018-01-13. Review status: criteria provided, single submitter. Criteria: ICSL Variant Classification Criteria 13 December 2019. Collection method: clinical testing. Allele origin: germline.
Comment: This variant was observed in the ICSL laboratory as part of a predisposition screen in an ostensibly healthy population. It had not been previously curated by ICSL or reported in the Human Gene Mutation Database (HGMD: prior to June 1st, 2018), and was therefore a candidate for classification through an automated scoring system. Utilizing variant allele frequency, disease prevalence and penetrance estimates, and inheritance mode, an automated score was calculated to assess if this variant is too frequent to cause the disease. Based on the score and internal cut-off values, a variant classified as likely benign is not then subjected to further curation. The score for this variant resulted in a classification of likely benign for this disease.

GeneDx
Classification: Likely benign. Last evaluated: 2017-11-28. Review status: criteria provided, single submitter. Criteria: GeneDx Variant Classification (06012015). Collection method: clinical testing. Allele origin: germline. Affected: yes.
Comment: This variant is considered likely benign or benign based on one or more of the following criteria: it is a conservative change, it occurs at a poorly conserved position in the protein, it is predicted to be benign by multiple in silico algorithms, and/or has population frequency not consistent with disease.

PreventionGenetics, part of Exact Sciences
Classification: Likely benign for COL9A2-related condition. Last evaluated: 2021-06-08. Review status: no assertion criteria provided. Collection method: clinical testing. Allele origin: germline. Not counted in ClinVar's aggregate classification.
Comment: This variant is classified as likely benign based on ACMG/AMP sequence variant interpretation guidelines (Richards et al. 2015 PMID: 25741868, with internal and published modifications).

NM_001852.4(COL9A2):c.-43G>A

Gene: COL9A2 (collagen type IX alpha 2 chain; minus strand). Cytogenetic location: 1p34.2.
Variant type: single nucleotide variant.
Coding change: c.-43G>A on transcript NM_001852.4 (MANE Select); 43 bases upstream of the start codon, G replaced by A.
Molecular consequence: 5 prime UTR variant.
Genome position (GRCh38, 1-based): chr1:40,317,240, C>T on the plus strand (G>A on the coding strand, the complement: COL9A2 is on the minus strand). VCF-style: chr1-40317240-C-T. GRCh37 (hg19) VCF-style: chr1-40782912-C-T.
Identifiers: ClinVar variation 297314 (VCV000297314.7), dbSNP rs373454857, ClinGen allele CA792155.